The following is an entry in ClinVar:

ClinVar aggregate classification (germline): Uncertain significance. Review status: criteria provided, multiple submitters, no conflicts (2 of 4 stars). 2 submissions from 2 submitters: Uncertain significance (2). Last evaluated 2022-05-27.

Conditions:
Long QT syndrome (LQTS). Identifiers: MedGen C0023976, MeSH D008133, MONDO:0002442. Disease mechanism: loss of function. Inheritance: Various modes of inheritance.

Allele frequency attached by ClinVar (database versions not stated): TOPMed below 0.00001.

Submissions (2):

Clinical Genetics Laboratory, Skane University Hospital Lund
Classification: Uncertain significance. Last evaluated: 2022-05-27. Review status: criteria provided, single submitter. Criteria: ACMG Guidelines, 2015. Collection method: clinical testing. Allele origin: germline. Affected: yes.

Labcorp Genetics (formerly Invitae), Labcorp
Classification: Uncertain significance for Long QT syndrome. Last evaluated: 2018-01-29. Review status: criteria provided, single submitter. Criteria: Invitae Variant Classification Sherloc (09022015). Collection method: clinical testing. Allele origin: germline.
Comment: This variant is not present in population databases (ExAC no frequency). In summary, the available evidence is currently insufficient to determine the role of this variant in disease. Therefore, it has been classified as a Variant of Uncertain Significance. Algorithms developed to predict the effect of missense changes on protein structure and function do not agree on the potential impact of this missense change (SIFT: "Deleterious"; PolyPhen-2: "Possibly Damaging"; Align-GVGD: "Class C0"). This variant has not been reported in the literature in individuals with CACNA1C-related disease. This sequence change replaces isoleucine with phenylalanine at codon 1457 of the CACNA1C protein (p.Ile1457Phe). The isoleucine residue is highly conserved and there is a small physicochemical difference between isoleucine and phenylalanine.

NM_000719.7(CACNA1C):c.4369A>T (p.Ile1457Phe)

Gene: CACNA1C (calcium voltage-gated channel subunit alpha1 C; plus strand). Cytogenetic location: 12p13.33.
Variant type: single nucleotide variant.
Coding change: c.4369A>T on transcript NM_000719.7 (MANE Select); coding-DNA position 4369, A replaced by T.
Protein change: p.Ile1457Phe; replaces isoleucine 1457 with phenylalanine.
Molecular consequence: missense variant.
Genome position (GRCh38, 1-based): chr12:2,664,961, A>T. VCF-style: chr12-2664961-A-T. GRCh37 (hg19) VCF-style: chr12-2774127-A-T.
Other names: c.4513A>T, p.Ile1505Phe (NM_001129827.2, NM_199460.4); c.4435A>T, p.Ile1479Phe (NM_001129829.2); c.4369A>T, p.Ile1457Phe (NM_001129830.3, NM_001129833.2, NM_001129834.2 and 7 more transcripts); c.4453A>T, p.Ile1485Phe (NM_001129831.2); c.4429A>T, p.Ile1477Phe (NM_001129832.2); c.4420A>T, p.Ile1474Phe (NM_001129836.2); c.4336A>T, p.Ile1446Phe (NM_001129837.2, NM_001129838.2, NM_001129846.2 and 1 more transcripts); c.4330A>T, p.Ile1444Phe (NM_001129839.2); and 1 more; short protein forms I1505F, I1457F, I1444F, I1454F, I1477F, I1485F, I1446F, I1474F.
Identifiers: ClinVar variation 581912 (VCV000581912.10), dbSNP rs781315664, ClinGen allele CA383376010.